The following is an entry in ClinVar:

ClinVar aggregate classification (germline): Conflicting classifications of pathogenicity. Review status: criteria provided, conflicting classifications (1 of 4 stars). 3 submissions from 3 submitters: Uncertain significance (1); Likely benign (2). Last evaluated 2024-03-01.

Conditions:
Inborn genetic diseases. Identifiers: MedGen C0950123, MeSH D030342.

Allele frequency attached by ClinVar (database versions not stated): TOPMed 0.00002; gnomAD 0.00005 and 0.00006; ESP Exome Variant Server 0.00009; ExAC 0.00010; gnomAD exomes 0.00011 and 0.00018.
gnomAD v4.1: 200 of 1,210,161 alleles (0.017%); highest among the groups gnomAD compares: Non-Finnish European, 0.022%; no homozygotes.

Submissions (3):

CeGaT Center for Human Genetics Tuebingen
Classification: Likely benign. Last evaluated: 2024-03-01. Review status: criteria provided, single submitter. Criteria: CeGaT Center For Human Genetics Tuebingen Variant Classification Criteria Version 2. Collection method: clinical testing. Allele origin: germline. Affected: yes. Observed: 1 variant allele.
Comment: FRMPD4: BS2

Ambry Genetics
Classification: Likely benign for Inborn genetic diseases. Last evaluated: 2023-07-31. Review status: criteria provided, single submitter. Criteria: Ambry Variant Classification Scheme 2023. Collection method: clinical testing. Allele origin: germline.

Genetic Services Laboratory, University of Chicago
Classification: Uncertain significance. Last evaluated: 2015-12-21. Review status: criteria provided, single submitter. Criteria: ACMG Guidelines, 2015. Collection method: clinical testing. Allele origin: germline. Affected: no.

NM_001368397.1(FRMPD4):c.3067T>C (p.Cys1023Arg)

Gene: FRMPD4 (FERM and PDZ domain containing 4; plus strand). Cytogenetic location: Xp22.2.
Variant type: single nucleotide variant.
Coding change: c.3067T>C on transcript NM_001368397.1 (MANE Select); coding-DNA position 3067, T replaced by C.
Protein change: p.Cys1023Arg; replaces cysteine 1023 with arginine.
Molecular consequence: missense variant.
Genome position (GRCh38, 1-based): chrX:12,717,893, T>C. VCF-style: chrX-12717893-T-C. GRCh37 (hg19) VCF-style: chrX-12736012-T-C.
Other names: c.3178T>C, p.Cys1060Arg (NM_001368395.3, NM_001368398.3); c.3073T>C, p.Cys1025Arg (NM_001368396.3); c.3058T>C, p.Cys1020Arg (NM_001368399.3); c.2947T>C, p.Cys983Arg (NM_001368400.3); c.3043T>C, p.Cys1015Arg (NM_001368401.1, NM_001368402.3); c.3067T>C, p.Cys1023Arg (NM_014728.3); short protein forms C1023R, C1025R, C983R, C1015R, C1020R, C1060R.
Identifiers: ClinVar variation 435270 (VCV000435270.29), dbSNP rs143929343, ClinGen allele CA10349555.